The following is an entry in ClinVar:

ClinVar aggregate classification (germline): Conflicting classifications of pathogenicity. Review status: criteria provided, conflicting classifications (1 of 4 stars). 4 submissions from 4 submitters: Uncertain significance (1); Benign (1); Likely benign (1). 1 of the submissions does not count toward it. Last evaluated 2025-10-21.

Conditions:
RNF213-related disorder. Also called: RNF213-related condition.
Moyamoya disease 2 (MYMY2). Also called: MOYAMOYA DISEASE 2, SUSCEPTIBILITY TO. Identifiers: Orphanet 2573, MedGen C1846689, MONDO:0011784, OMIM 607151.

Allele frequency attached by ClinVar (database versions not stated): ExAC 0.00052; 1000 Genomes Project 30x 0.00078; 1000 Genomes Project 0.00080; gnomAD exomes 0.00183 and 0.00102; gnomAD 0.00106 and 0.00109; TOPMed 0.00108.
gnomAD v4.1: 2,694 of 1,537,188 alleles (0.18%); highest among the groups gnomAD compares: Non-Finnish European, 0.21%; 2 homozygotes.

Submissions (4):

Labcorp Genetics (formerly Invitae), Labcorp
Classification: Benign. Last evaluated: 2025-10-21. Review status: criteria provided, single submitter. Criteria: Invitae Variant Classification Sherloc (09022015). Collection method: clinical testing. Allele origin: germline.

PreventionGenetics, part of Exact Sciences
Classification: Likely benign for RNF213-related condition. Last evaluated: 2025-01-14. Review status: criteria provided, single submitter. Criteria: ACMG Guidelines, 2015. Collection method: clinical testing. Allele origin: germline.
Comment: This variant is classified as likely benign based on ACMG/AMP sequence variant interpretation guidelines (Richards et al. 2015 PMID: 25741868, with internal and published modifications).

Department of Pathology and Laboratory Medicine, Sinai Health System
Classification: Uncertain significance for Moyamoya disease 2. Last evaluated: 2023-01-26. Review status: criteria provided, single submitter. Criteria: ACMG Guidelines, 2015. Collection method: research. Allele origin: germline.

UMR-S1161, Institut national de la santé et de la recherche médicale
Classification: Uncertain significance for Moyamoya disease 2. Last evaluated: 2017-03-03. Review status: no assertion criteria provided. Collection method: research. Allele origin: unknown. Affected: yes. Study: Rare RNF213 variants in Caucasian moyamoya patients. Not counted in ClinVar's aggregate classification.

NM_001256071.3(RNF213):c.5162C>T (p.Pro1721Leu)

Gene: RNF213 (ring finger protein 213; plus strand). Cytogenetic location: 17q25.3.
Variant type: single nucleotide variant.
Coding change: c.5162C>T on transcript NM_001256071.3 (MANE Select); coding-DNA position 5162, C replaced by T.
Protein change: p.Pro1721Leu; replaces proline 1721 with leucine.
Molecular consequence: missense variant.
Genome position (GRCh38, 1-based): chr17:80,339,529, C>T. VCF-style: chr17-80339529-C-T. GRCh37 (hg19) VCF-style: chr17-78313329-C-T.
Other names: c.5162C>T (NM_001256071.2); short protein forms P1721L.
Identifiers: ClinVar variation 417841 (VCV000417841.8), dbSNP rs189765261, ClinGen allele CA8820321.
Genomic context (GRCh38, chr17:80,339,529, plus strand): 5'-TGAACTTCTACACGGCAGAGCAGCTGGTTTACCTGAGCACTGAGCTCAGGAAGCAGCCCC[C>T]GAGTGATGCCGCCCTAACGATGCTATCCTTCATCAAAAGCAACTGCACCCTGAGGGATGT-3'
Protein context (NP_001243000.2, residues 1711-1731): YLSTELRKQP[Pro1721Leu]SDAALTMLSF